The following is an entry in ClinVar:

Conditions:
Breast-ovarian cancer, familial, susceptibility to, 1 (BROVCA1). Also called: BRCA1 Hereditary Breast and Ovarian Cancer; OVARIAN CANCER, SUSCEPTIBILITY TO. Identifiers: Orphanet 145, MedGen C2676676, MONDO:0011450, OMIM 604370. Disease mechanism: loss of function.

Submission:

Brotman Baty Institute, University of Washington
No classification provided (evidence only). Condition: Breast-ovarian cancer, familial 1. Review status: no classification provided. Collection method: in vitro. Allele origin: not applicable. Functional consequence: functionally_normal.
ClinVar note: "not provided" was previously submitted as the classification for the variant. However, the classification appeared to be based only on an observation of functional data so it was converted to no classification on 2025-07-30.

NM_007294.4(BRCA1):c.5120T>A (p.Ile1707Asn)

Gene: BRCA1 (BRCA1 DNA repair associated; minus strand). Cytogenetic location: 17q21.31.
Variant type: single nucleotide variant.
Coding change: c.5120T>A on transcript NM_007294.4 (MANE Select); coding-DNA position 5120, T replaced by A.
Protein change: p.Ile1707Asn; replaces isoleucine 1707 with asparagine.
Molecular consequence: missense variant. On other transcripts: non-coding transcript variant (1).
Genome position (GRCh38, 1-based): chr17:43,063,906, A>T on the plus strand (T>A on the coding strand, the complement: BRCA1 is on the minus strand). VCF-style: chr17-43063906-A-T. GRCh37 (hg19) VCF-style: chr17-41215923-A-T.
Other names: c.4979T>A, p.Ile1660Asn (NM_007297.4, NM_001407692.1, NM_001407694.1 and 13 more transcripts); c.1808T>A, p.Ile603Asn (NM_007298.4, NM_007299.4, NM_007304.2 and 13 more transcripts); c.5183T>A, p.Ile1728Asn (NM_007300.4, NM_001407583.1, NM_001407585.1 and 1 more transcripts); c.4907T>A, p.Ile1636Asn (NM_001407571.1, NM_001407898.1, NM_001407899.1 and 12 more transcripts); c.5186T>A, p.Ile1729Asn (NM_001407581.1, NM_001407582.1); c.5180T>A, p.Ile1727Asn (NM_001407590.1, NM_001407591.1); c.5120T>A, p.Ile1707Asn (NM_001407593.1, NM_001407594.1, NM_001407596.1 and 7 more transcripts); c.5117T>A, p.Ile1706Asn (NM_001407610.1, NM_001407611.1, NM_001407612.1 and 17 more transcripts); and 71 more; short protein forms I1660N, I1707N, I1728N, I603N, I1411N, I1579N, I1594N, I1595N.
Identifiers: ClinVar variation 869057 (VCV000869057.3), dbSNP rs1064796143, ClinGen allele CA10591296.